The following is an entry in ClinVar:

ClinVar aggregate classification (germline): Uncertain significance (0 of 4 stars; one submission).

Conditions:
TRPC5-related disorder. Also called: TRPC5-related condition.

gnomAD v4.1: 1 of 1,211,234 alleles (0.000083%); no homozygotes.

Submission:

PreventionGenetics, part of Exact Sciences
Classification: Uncertain significance for TRPC5-related condition. Last evaluated: 2024-08-29. Review status: no assertion criteria provided. Collection method: clinical testing. Allele origin: germline.
Comment: The TRPC5 c.2773T>C variant is predicted to result in the amino acid substitution p.Ser925Pro. To our knowledge, this variant has not been reported in the literature. This variant is reported in 0.0012% of alleles in individuals of European (Non-Finnish) descent in gnomAD. At this time, the clinical significance of this variant is uncertain due to the absence of conclusive functional and genetic evidence.

NM_012471.3(TRPC5):c.2773T>C (p.Ser925Pro)

Gene: TRPC5 (transient receptor potential cation channel subfamily C member 5; minus strand). Cytogenetic location: Xq23.
Variant type: single nucleotide variant.
Coding change: c.2773T>C on transcript NM_012471.3 (MANE Select); coding-DNA position 2773, T replaced by C.
Protein change: p.Ser925Pro; replaces serine 925 with proline.
Molecular consequence: missense variant.
Genome position (GRCh38, 1-based): chrX:111,776,462, A>G on the plus strand (T>C on the coding strand, the complement: TRPC5 is on the minus strand). VCF-style: chrX-111776462-A-G. GRCh37 (hg19) VCF-style: chrX-111019690-A-G.
Other names: short protein forms S925P.
Identifiers: ClinVar variation 3346025 (VCV003346025.1).
Genomic context (GRCh38, chrX:111,776,462, plus strand): 5'-CCTCTGAGGAGTCTAAAAGTTTAGAATTTGAGGAGCAGATGCTGGATGCACAGTGAAGAG[A>G]GCTGGAACAGGCTAGAGGGCATTCACTGCTCTGAGCAGCGCCCTGGACTTCACCTAATTC-3'
Protein context (NP_036603.1, residues 915-935): SSECPLACSS[Ser925Pro]LHCASSICSS